The following is an entry in ClinVar:

ClinVar aggregate classification (germline): Uncertain significance (1 of 4 stars; one submission).

Submission:

Labcorp Genetics (formerly Invitae), Labcorp
Classification: Uncertain significance. Last evaluated: 2023-11-27. Review status: criteria provided, single submitter. Criteria: Invitae Variant Classification Sherloc (09022015). Collection method: clinical testing. Allele origin: germline.
Comment: This sequence change replaces methionine, which is neutral and non-polar, with valine, which is neutral and non-polar, at codon 619 of the PLEKHM2 protein (p.Met619Val). This variant is not present in population databases (gnomAD no frequency). This variant has not been reported in the literature in individuals affected with PLEKHM2-related conditions. ClinVar contains an entry for this variant (Variation ID: 2125334). An algorithm developed to predict the effect of missense changes on protein structure and function (PolyPhen-2) suggests that this variant is likely to be tolerated. In summary, the available evidence is currently insufficient to determine the role of this variant in disease. Therefore, it has been classified as a Variant of Uncertain Significance.

NM_015164.4(PLEKHM2):c.1855A>G (p.Met619Val)

Gene: PLEKHM2 (pleckstrin homology and RUN domain containing M2; plus strand). Cytogenetic location: 1p36.21.
Variant type: single nucleotide variant.
Coding change: c.1855A>G on transcript NM_015164.4 (MANE Select); coding-DNA position 1855, A replaced by G.
Protein change: p.Met619Val; replaces methionine 619 with valine.
Molecular consequence: missense variant.
Genome position (GRCh38, 1-based): chr1:15,728,291, A>G. VCF-style: chr1-15728291-A-G. GRCh37 (hg19) VCF-style: chr1-16054786-A-G.
Other names: c.1795A>G, p.Met599Val (NM_001410755.1); short protein forms M619V, M599V.
Identifiers: ClinVar variation 2125334 (VCV002125334.4), dbSNP rs2068093380, ClinGen allele CA338589890.